The following is an entry in ClinVar:

ClinVar aggregate classification (germline): Likely pathogenic (1 of 4 stars; one submission).

Conditions:
Neurodevelopmental disorder with regression, abnormal movements, loss of speech, and seizures. Identifiers: Orphanet 597623, MedGen C4748127, MONDO:0060759, OMIM 618088.

Submission:

Laboratorio de Genetica e Diagnostico Molecular, Hospital Israelita Albert Einstein
Classification: Likely pathogenic for Neurodevelopmental disorder with regression, abnormal movements, loss of speech, and seizures. Last evaluated: 2022-10-07. Review status: criteria provided, single submitter. Criteria: ACMG Guidelines, 2015. Collection method: clinical testing. Allele origin: germline. Affected: yes.
Comment: ACMG classification criteria: PVS1 strong, PM2 moderate

NM_024496.4(IRF2BPL):c.709dup (p.Thr237fs)

Gene: IRF2BPL (interferon regulatory factor 2 binding protein like; minus strand). Cytogenetic location: 14q24.3.
Variant type: Duplication.
Coding change: c.709dup on transcript NM_024496.4 (MANE Select); coding-DNA position 709, one base duplicated (A; older notation c.709dupA).
Protein change: p.Thr237fs; shifts the reading frame from threonine 237.
Molecular consequence: frameshift variant.
Genome position (GRCh38, 1-based): chr14:77,027,084, T duplicated on the plus strand (A on the coding strand, the reverse complement: IRF2BPL is on the minus strand). VCF-style (leftmost placement, unchanged base first): chr14-77027083-G-GT. GRCh37 (hg19) VCF-style: chr14-77493426-G-GT.
Other names: short protein forms T237fs.
Identifiers: ClinVar variation 4056806 (VCV004056806.1).
Genomic context (GRCh38, chr14:77,027,083, plus strand): 5'-AGCAGGTTGGGGGGCACGGTGAGCTGGGGGCCTCCGCCACCCCCCGGGTTGGGCAGCCCC[G>GT]TAACCAGCCCACCGTGCGTTCCACGCCGAGACGCCACCGACGCCGCCGCTGAAGAAGAAT-3'